The following continues an entry in ClinVar:

NM_000552.5(VWF):c.3797C>T (p.Pro1266Leu)

Gene: VWF. ClinVar aggregate classification (germline): Likely benign. Likely benign (1).

Submissions 22 to 29 of 29:

Illumina Laboratory Services, Illumina
Classification: Likely pathogenic for von Willebrand disorder. Last evaluated: 2017-04-27. Review status: criteria provided, single submitter. Criteria: ICSL Variant Classification Criteria 09 May 2019. Collection method: clinical testing. Allele origin: germline. Not counted in ClinVar's aggregate classification.
Comment: The VWF c.3797C>T (p.Pro1266Leu) missens variant is present in the A1 domain of the VWF protein. Gain-of-function missense or in-frame insertion or deletion variants in this essential binding domain are the sole cause of von Willebrand disease (VWD) type 2B (Goodeve 2010). The p.Pro1266Leu missense variant is usually the result of a gene conversion with a nearby VWF pseudogene and may be present with other variants. The p.Pro1266Leu variant has been reported in at least four studies in which it is found in a total of 11 unrelated individuals with VWD, including in three patients in a homozygous state (all of whom carried additional variants), four patients in a heterozygous state (all of whom carried additional variants in cis or trans), and four in a heterozygous state (Holmberg et al. 1993; Gupta et al. 2008; Federici et al. 2009; Kasatkar et al. 2014).The p.Pro1266Leu variant was found to co-segregate with disease in an autosomal dominant pattern in a large family study (Holmberg et al. 1993). Control data are unavailable for this variant, which is reported at a frequency of 0.002572 in the European (Finnish) population of the Exome Aggregation Consortium. Federici et al. (2009) reported that patients carrying the p.Pro1266Leu variant collectively had the lowest bleeding time compared to the other 61 study subjects, as well as one of the lowest bleeding severity scores. Individuals with the p.Pro1266Leu variant are reported to have a normal platelet count, normal platelet morphology, normal VWF protein multimers present in the plasma, but with enhanced platelet aggregation. Functional studies revealed the p.Pro1266Leu variant protein showed levels of protein expression and ability to form dimers comparable to wildtype, but demonstrated platelet aggregation at lower ristocetin concentrations than wildtype, which is consistent with the reported phenotype of the patients (Holmberg et al. 1993). Based on the evidence, the p.Pro1266Leu variant is classified as likely pathogenic for von Willebrand disease. This variant was observed by ICSL as part of a predisposition screen in an ostensibly healthy population.

Clinical Genetics Service, Universitary Hospital 12 de Octubre
Classification: Likely pathogenic for von Willebrand disease type 1. Review status: criteria provided, single submitter. Criteria: ACMG Guidelines, 2015. Collection method: clinical testing. Allele origin: germline. Affected: yes. Not counted in ClinVar's aggregate classification.

ISTH-SSC Genomics in Thrombosis and Hemostasis, KU Leuven, Center for Molecular and Vascular Biology
Classification: Pathogenic for von Willebrand disease type 2. Review status: criteria provided, single submitter. Criteria: ACMG Guidelines, 2015. Collection method: clinical testing. Allele origin: germline. Affected: yes. Observed: 1 compound heterozygote. Not counted in ClinVar's aggregate classification.
Comment: Submitted to GoldVariant by Kathleen Freson, Center for Molecular and Vascular Biology, Leuven, Belgium

ISTH-SSC Genomics in Thrombosis and Hemostasis, KU Leuven, Center for Molecular and Vascular Biology
Classification: Pathogenic for Thrombocytopenia. Review status: criteria provided, single submitter. Criteria: ACMG Guidelines, 2015. Collection method: clinical testing. Allele origin: germline. Affected: yes. Observed: 1 compound heterozygote. Not counted in ClinVar's aggregate classification.
Comment: Submitted to the GoldVariant database by Kathleen Freson, Center for Molecular and Vascular Biology

Angelo Bianchi Bonomi Hemophilia and Thrombosis Center, Fondazione IRCCS Ca Granda Ospedale Maggiore Policlinico
Classification: Likely pathogenic for von Willebrand disease type 2. Last evaluated: 2022-04-26. Review status: no assertion criteria provided. Collection method: clinical testing. Allele origin: germline. Affected: yes. Not counted in ClinVar's aggregate classification.

OMIM
Classification: Pathogenic for VON WILLEBRAND DISEASE, TYPE 2B. Last evaluated: 2010-05-01. Review status: no assertion criteria provided. Collection method: literature only. Allele origin: germline. Not counted in ClinVar's aggregate classification.

Academic Unit of Haematology, University of Sheffield
No classification provided. Review status: no classification provided. Collection method: not provided. Allele origin: not provided. Not counted in ClinVar's aggregate classification.

GeneReviews
No classification provided. Condition: von Willebrand disorder. Review status: no classification provided. Collection method: literature only. Allele origin: germline. Not counted in ClinVar's aggregate classification.

Literature cited by the submitters: PubMed 16115133 (cited by 4 submitters); PubMed 16985174 (cited by 3 submitters); PubMed 18315546 (cited by 3 submitters); PubMed 18485763 (cited by 4 submitters); PubMed 18805962 (cited by 9 submitters); PubMed 26986123 (cited by 6 submitters); PubMed 30488424 (cited by Mayo Clinic Laboratories, Mayo Clinic and Victorian Clinical Genetics Services, Murdoch Childrens Research Institute); PubMed 30817071 (cited by 4 submitters); PubMed 31135071 (cited by Mayo Clinic Laboratories, Mayo Clinic and Variantyx, Inc.); PubMed 33942438 (cited by 3 submitters); PubMed 3488775 (cited by 3 submitters); PubMed 35452508 (cited by Mayo Clinic Laboratories, Mayo Clinic); PubMed 36580664 (cited by Mayo Clinic Laboratories, Mayo Clinic and Women's Health and Genetics/Laboratory Corporation of America, LabCorp); PubMed 37168293 (cited by Mayo Clinic Laboratories, Mayo Clinic); PubMed 8486782 (cited by 11 submitters); PubMed 28640903 (cited by 7 submitters); PubMed 32573891 (cited by Women's Health and Genetics/Laboratory Corporation of America, LabCorp and New York Genome Center); PubMed 37647632 (cited by Women's Health and Genetics/Laboratory Corporation of America, LabCorp); PubMed 40242192 (cited by Women's Health and Genetics/Laboratory Corporation of America, LabCorp); PubMed 16889557 (cited by 3 submitters); PubMed 20409624 (cited by 3 submitters); PubMed 20305138 (cited by New York Genome Center); PubMed 24675615 (cited by 3 submitters); PubMed 19372260 (cited by Victorian Clinical Genetics Services, Murdoch Childrens Research Institute); PubMed 28971901 (cited by 4 submitters); PubMed 29984440 (cited by Victorian Clinical Genetics Services, Murdoch Childrens Research Institute and Genetics and Molecular Pathology, SA Pathology); PubMed 31532876 (cited by 3 submitters); PubMed 35307943 (cited by Victorian Clinical Genetics Services, Murdoch Childrens Research Institute); PubMed 28924049 (cited by Quest Diagnostics Nichols Institute San Juan Capistrano); PubMed 27683759 (cited by Quest Diagnostics Nichols Institute San Juan Capistrano and Laboratory for Molecular Medicine, Mass General Brigham Personalized Medicine); PubMed 25689060 (cited by Quest Diagnostics Nichols Institute San Juan Capistrano); PubMed 26827609 (cited by Quest Diagnostics Nichols Institute San Juan Capistrano and Laboratory for Molecular Medicine, Mass General Brigham Personalized Medicine); PubMed 27353798 (cited by Quest Diagnostics Nichols Institute San Juan Capistrano); PubMed 26206100 (cited by Quest Diagnostics Nichols Institute San Juan Capistrano); PubMed 25753785 (cited by Quest Diagnostics Nichols Institute San Juan Capistrano); PubMed 27785872 (cited by Quest Diagnostics Nichols Institute San Juan Capistrano); PubMed 18315556 (cited by Quest Diagnostics Nichols Institute San Juan Capistrano); PubMed 17190853 (cited by Quest Diagnostics Nichols Institute San Juan Capistrano); PubMed 27978591 (cited by Quest Diagnostics Nichols Institute San Juan Capistrano); PubMed 28916584 (cited by Quest Diagnostics Nichols Institute San Juan Capistrano); PubMed 27443694 (cited by Quest Diagnostics Nichols Institute San Juan Capistrano); PubMed 28692141 (cited by Quest Diagnostics Nichols Institute San Juan Capistrano); PubMed 31064749 (cited by Quest Diagnostics Nichols Institute San Juan Capistrano and NIHR Bioresource Rare Diseases, University of Cambridge); PubMed 31618753 (cited by Quest Diagnostics Nichols Institute San Juan Capistrano); PubMed 33556167 (cited by Quest Diagnostics Nichols Institute San Juan Capistrano); PubMed 33587123 (cited by Quest Diagnostics Nichols Institute San Juan Capistrano); PubMed 8134377 (cited by Quest Diagnostics Nichols Institute San Juan Capistrano); PubMed 22315491 (cited by Quest Diagnostics Nichols Institute San Juan Capistrano); PubMed 26456374 (cited by Quest Diagnostics Nichols Institute San Juan Capistrano); PubMed 20118404 (cited by Quest Diagnostics Nichols Institute San Juan Capistrano); PubMed 3487353 (cited by Quest Diagnostics Nichols Institute San Juan Capistrano and OMIM); PubMed 23401895 (cited by Laboratory for Molecular Medicine, Mass General Brigham Personalized Medicine); PubMed 3259690 (cited by OMIM); NCBI Bookshelf NBK7014 (cited by GeneReviews).